The following is an entry in ClinVar:

NM_000079.4(CHRNA1):c.889T>C (p.Tyr297His)

Gene: CHRNA1 (cholinergic receptor nicotinic alpha 1 subunit; minus strand). Cytogenetic location: 2q31.1.
Variant type: single nucleotide variant.
Coding change: c.889T>C on transcript NM_000079.4 (MANE Select); coding-DNA position 889, T replaced by C.
Protein change: p.Tyr297His; replaces tyrosine 297 with histidine.
Molecular consequence: missense variant.
Genome position (GRCh38, 1-based): chr2:174,750,059, A>G on the plus strand (T>C on the coding strand, the complement: CHRNA1 is on the minus strand). VCF-style: chr2-174750059-A-G. GRCh37 (hg19) VCF-style: chr2-175614787-A-G.
Other names: c.964T>C, p.Tyr322His (NM_001039523.3); short protein forms Y297H, Y322H.
Identifiers: ClinVar variation 4983088 (VCV004983088.1).

ClinVar aggregate classification (germline): Uncertain significance (1 of 4 stars; one submission).

Conditions:
CHRNA1-related disorder. Also called: CHRNA1-related condition.

Submission:

PreventionGenetics, part of Exact Sciences
Classification: Uncertain significance for CHRNA1-related condition. Last evaluated: 2025-11-04. Review status: criteria provided, single submitter. Criteria: ACMG Guidelines, 2015. Collection method: clinical testing. Allele origin: germline.
Comment: The CHRNA1 c.964T>C variant is predicted to result in the amino acid substitution p.Tyr322His. To our knowledge, this variant has not been reported in the literature or in a large population database (gnomAD), indicating this variant is rare. At this time, the clinical significance of this variant is uncertain due to the absence of conclusive functional and genetic evidence.